The following is an entry in ClinVar:

NM_000183.3(HADHB):c.830A>G (p.Lys277Arg)

Gene: HADHB (hydroxyacyl-CoA dehydrogenase trifunctional multienzyme complex subunit beta; plus strand). Cytogenetic location: 2p23.3.
Variant type: single nucleotide variant.
Coding change: c.830A>G on transcript NM_000183.3 (MANE Select); coding-DNA position 830, A replaced by G.
Protein change: p.Lys277Arg; replaces lysine 277 with arginine.
Molecular consequence: missense variant.
Genome position (GRCh38, 1-based): chr2:26,280,012, A>G. VCF-style: chr2-26280012-A-G. GRCh37 (hg19) VCF-style: chr2-26502880-A-G.
Other names: p.K277R:AAA>AGA; c.785A>G, p.Lys262Arg (NM_001281512.2); c.764A>G, p.Lys255Arg (NM_001281513.2); short protein forms K277R, K255R, K262R.
Identifiers: ClinVar variation 203750 (VCV000203750.17), dbSNP rs57969630, ClinGen allele CA312590.

ClinVar aggregate classification (germline): Benign/Likely benign. Review status: criteria provided, multiple submitters, no conflicts (2 of 4 stars). 6 submissions from 6 submitters: Benign (5); Likely benign (1). Last evaluated 2026-01-31.

Conditions:
Mitochondrial trifunctional protein deficiency. Identifiers: Orphanet 746, MedGen C1969443, MONDO:0012172.
Mitochondrial trifunctional protein deficiency 2 (MTPD2). Identifiers: MedGen C5830374, MONDO:0958185, OMIM 620300.

Allele frequency attached by ClinVar (database versions not stated): gnomAD exomes 0.00094 and 0.00240; ExAC 0.00277; gnomAD 0.00633 and 0.00662; ESP Exome Variant Server 0.00669; TOPMed 0.00697; 1000 Genomes Project 0.00859; 1000 Genomes Project 30x 0.00906.
gnomAD v4.1: 2,401 of 1,609,410 alleles (0.15%); highest among the groups gnomAD compares: African/African-American, 2.1%; 17 homozygotes.

Submissions (6):

Labcorp Genetics (formerly Invitae), Labcorp
Classification: Benign for Mitochondrial trifunctional protein deficiency. Last evaluated: 2026-01-31. Review status: criteria provided, single submitter. Criteria: Invitae Variant Classification Sherloc (09022015). Collection method: clinical testing. Allele origin: germline.

ARUP Laboratories, Molecular Genetics and Genomics, ARUP Laboratories
Classification: Likely benign for Mitochondrial trifunctional protein deficiency 2. Last evaluated: 2023-11-22. Review status: criteria provided, single submitter. Criteria: ARUP Molecular Germline Variant Investigation Process 2024. Collection method: clinical testing. Allele origin: germline.

Mayo Clinic Laboratories, Mayo Clinic
Classification: Benign. Last evaluated: 2019-02-28. Review status: criteria provided, single submitter. Criteria: ACMG Guidelines, 2015. Collection method: clinical testing. Allele origin: germline. Observed: 10 variant alleles.

Illumina Laboratory Services, Illumina
Classification: Benign for Mitochondrial trifunctional protein deficiency 1. Last evaluated: 2018-01-13. Review status: criteria provided, single submitter. Criteria: ICSL Variant Classification Criteria 13 December 2019. Collection method: clinical testing. Allele origin: germline.
Comment: This variant was observed in the ICSL laboratory as part of a predisposition screen in an ostensibly healthy population. It had not been previously curated by ICSL or reported in the Human Gene Mutation Database (HGMD: prior to June 1st, 2018), and was therefore a candidate for classification through an automated scoring system. Utilizing variant allele frequency, disease prevalence and penetrance estimates, and inheritance mode, an automated score was calculated to assess if this variant is too frequent to cause the disease. Based on the score and internal cut-off values, a variant classified as benign is not then subjected to further curation. The score for this variant resulted in a classification of benign for this disease.

GeneDx
Classification: Benign. Last evaluated: 2017-02-02. Review status: criteria provided, single submitter. Criteria: GeneDx Variant Classification (06012015). Collection method: clinical testing. Allele origin: germline. Affected: yes.
Comment: This variant is considered likely benign or benign based on one or more of the following criteria: it is a conservative change, it occurs at a poorly conserved position in the protein, it is predicted to be benign by multiple in silico algorithms, and/or has population frequency not consistent with disease.

Breakthrough Genomics
Classification: Benign. Review status: criteria provided, single submitter. Criteria: ACMG Guidelines, 2015. Collection method: not provided. Allele origin: germline. Inheritance: Autosomal recessive inheritance. Affected: yes.